The following is an entry in ClinVar:

NM_000143.4(FH):c.1348A>C (p.Asn450His)

Gene: FH (fumarate hydratase; minus strand). Cytogenetic location: 1q43.
Variant type: single nucleotide variant.
Coding change: c.1348A>C on transcript NM_000143.4 (MANE Select); coding-DNA position 1348, A replaced by C.
Protein change: p.Asn450His; replaces asparagine 450 with histidine.
Molecular consequence: missense variant.
Genome position (GRCh38, 1-based): chr1:241,500,479, T>G on the plus strand (A>C on the coding strand, the complement: FH is on the minus strand). VCF-style: chr1-241500479-T-G. GRCh37 (hg19) VCF-style: chr1-241663779-T-G.
Other names: c.1348A>C (NM_000143.3); short protein forms N450H.
Identifiers: ClinVar variation 1413363 (VCV001413363.6), dbSNP rs1659742832, ClinGen allele CA345436465.

ClinVar aggregate classification (germline): Uncertain significance. Review status: criteria provided, multiple submitters, no conflicts (2 of 4 stars). 2 submissions from 2 submitters: Uncertain significance (2). Last evaluated 2024-03-09.

Conditions:
Hereditary cancer-predisposing syndrome. Also called: Hereditary Cancer Syndrome; Tumor predisposition; Hereditary neoplastic syndrome; Neoplastic Syndromes, Hereditary. Identifiers: Orphanet 140162, MedGen C0027672, MeSH D009386, MONDO:0015356.

Allele frequency attached by ClinVar (database versions not stated): TOPMed below 0.00001; gnomAD 0.00001.
gnomAD v4.1: 1 of 1,613,950 alleles (0.000062%); highest among the groups gnomAD compares: Non-Finnish European, 0.000085%; no homozygotes.

Submissions (2):

Ambry Genetics
Classification: Uncertain significance for Hereditary cancer-predisposing syndrome. Last evaluated: 2024-03-09. Review status: criteria provided, single submitter. Criteria: Ambry Variant Classification Scheme 2023. Collection method: clinical testing. Allele origin: germline.
Comment: The p.N450H variant (also known as c.1348A>C), located in coding exon 9 of the FH gene, results from an A to C substitution at nucleotide position 1348. The asparagine at codon 450 is replaced by histidine, an amino acid with similar properties. This amino acid position is conserved. In addition, the in silico prediction for this alteration is inconclusive. Based on the available evidence, the clinical significance of this alteration remains unclear.

Labcorp Genetics (formerly Invitae), Labcorp
Classification: Uncertain significance. Last evaluated: 2021-08-27. Review status: criteria provided, single submitter. Criteria: Invitae Variant Classification Sherloc (09022015). Collection method: clinical testing. Allele origin: germline.
Comment: This sequence change replaces asparagine with histidine at codon 450 of the FH protein (p.Asn450His). The asparagine residue is weakly conserved and there is a small physicochemical difference between asparagine and histidine. This variant is not present in population databases (ExAC no frequency). This variant has not been reported in the literature in individuals affected with FH-related conditions. Advanced modeling of protein sequence and biophysical properties (such as structural, functional, and spatial information, amino acid conservation, physicochemical variation, residue mobility, and thermodynamic stability) performed at Invitae indicates that this missense variant is not expected to disrupt FH protein function. In summary, the available evidence is currently insufficient to determine the role of this variant in disease. Therefore, it has been classified as a Variant of Uncertain Significance.